The following is an entry in ClinVar:

ClinVar aggregate classification (germline): Benign/Likely benign. Review status: criteria provided, multiple submitters, no conflicts (2 of 4 stars). 6 submissions from 6 submitters: Benign (2); Likely benign (4). Last evaluated 2026-04-01.

Conditions:
Polycystic lipomembranous osteodysplasia with sclerosing leukoencephalopathy 1 (PLOSL1). Also called: TYROBP-Related Polycystic Lipomembranous Osteodysplasia with Sclerosing Leukoencephalopathy. Identifiers: Orphanet 2770, MedGen C4721893, MONDO:0020749, OMIM 221770.

Allele frequency attached by ClinVar (database versions not stated): ESP Exome Variant Server 0.00008; gnomAD 0.00061; TOPMed 0.00094; ExAC 0.00102; gnomAD exomes 0.00107; 1000 Genomes Project 30x 0.00172; 1000 Genomes Project 0.00200.
gnomAD v4.1: 542 of 1,613,390 alleles (0.034%); highest among the groups gnomAD compares: East Asian, 1.1%; 6 homozygotes.

Submissions (6):

CeGaT Center for Human Genetics Tuebingen
Classification: Likely benign. Last evaluated: 2026-04-01. Review status: criteria provided, single submitter. Criteria: CeGaT Center For Human Genetics Tuebingen Variant Classification Criteria Version 2. Collection method: clinical testing. Allele origin: germline. Affected: yes. Observed: 1 variant allele.
Comment: TYROBP: BP4, BS1

Mayo Clinic Laboratories, Mayo Clinic
Classification: Likely benign. Last evaluated: 2025-11-27. Review status: criteria provided, single submitter. Criteria: ACMG Guidelines, 2015. Collection method: clinical testing. Allele origin: germline. Observed: 1 variant allele.
Comment: BS2, BP4

Labcorp Genetics (formerly Invitae), Labcorp
Classification: Benign. Last evaluated: 2025-11-01. Review status: criteria provided, single submitter. Criteria: Invitae Variant Classification Sherloc (09022015). Collection method: clinical testing. Allele origin: germline.

Blueprint Genetics
Classification: Likely benign. Last evaluated: 2024-11-20. Review status: criteria provided, single submitter. Criteria: ACMG Guidelines, 2015. Collection method: clinical testing. Allele origin: germline.

Fulgent Genetics
Classification: Likely benign for Polycystic lipomembranous osteodysplasia with sclerosing leukoencephalopathy 1. Last evaluated: 2021-09-01. Review status: criteria provided, single submitter. Criteria: ACMG Guidelines, 2015. Collection method: clinical testing. Allele origin: unknown.

Illumina Laboratory Services, Illumina
Classification: Benign for Polycystic lipomembranous osteodysplasia with sclerosing leukoencephalopathy 1. Last evaluated: 2018-01-13. Review status: criteria provided, single submitter. Criteria: ICSL Variant Classification Criteria 13 December 2019. Collection method: clinical testing. Allele origin: germline.
Comment: This variant was observed in the ICSL laboratory as part of a predisposition screen in an ostensibly healthy population. It had not been previously curated by ICSL or reported in the Human Gene Mutation Database (HGMD: prior to June 1st, 2018), and was therefore a candidate for classification through an automated scoring system. Utilizing variant allele frequency, disease prevalence and penetrance estimates, and inheritance mode, an automated score was calculated to assess if this variant is too frequent to cause the disease. Based on the score and internal cut-off values, a variant classified as benign is not then subjected to further curation. The score for this variant resulted in a classification of benign for this disease.

NM_003332.4(TYROBP):c.68G>A (p.Arg23His)

Gene: TYROBP (transmembrane immune signaling adaptor TYROBP; minus strand). Cytogenetic location: 19q13.12.
Variant type: single nucleotide variant.
Coding change: c.68G>A on transcript NM_003332.4 (MANE Select); coding-DNA position 68, G replaced by A.
Protein change: p.Arg23His; replaces arginine 23 with histidine.
Molecular consequence: missense variant. On other transcripts: intron variant (2).
Genome position (GRCh38, 1-based): chr19:35,907,756, C>T on the plus strand (G>A on the coding strand, the complement: TYROBP is on the minus strand). VCF-style: chr19-35907756-C-T. GRCh37 (hg19) VCF-style: chr19-36398658-C-T.
Other names: p.Arg23His; c.68G>A, p.Arg23His (NM_198125.3); c.62-176G>A (NM_001173515.2, NM_001173514.2); short protein forms R23H.
Identifiers: ClinVar variation 328896 (VCV000328896.19), dbSNP rs79272253, ClinGen allele CA9393132.